The following is an entry in ClinVar:

NM_001039348.3(EFEMP1):c.732A>G (p.Gln244=)

Gene: EFEMP1 (EGF-like fibulin extracellular matrix protein 1; minus strand). Cytogenetic location: 2p16.1.
Variant type: single nucleotide variant.
Coding change: c.732A>G on transcript NM_001039348.3 (MANE Select); coding-DNA position 732, A replaced by G.
Protein change: p.Gln244=; no amino-acid change (glutamine 244 retained).
Molecular consequence: synonymous variant.
Genome position (GRCh38, 1-based): chr2:55,877,774, T>C on the plus strand (A>G on the coding strand, the complement: EFEMP1 is on the minus strand). VCF-style: chr2-55877774-T-C. GRCh37 (hg19) VCF-style: chr2-56104909-T-C.
Other names: c.732A>G, p.Gln244= (NM_001039349.3).
Identifiers: ClinVar variation 336626 (VCV000336626.13), dbSNP rs199622147, ClinGen allele CA1668849.

ClinVar aggregate classification (germline): Likely benign. Review status: criteria provided, multiple submitters, no conflicts (2 of 4 stars). 3 submissions from 3 submitters: Likely benign (3). Last evaluated 2026-01-05.

Conditions:
Doyne honeycomb retinal dystrophy (DHRD). Also called: DOYNE HONEYCOMB DEGENERATION OF RETINA; MALATTIA LEVENTINESE; DRUSEN, RADIAL, AUTOSOMAL DOMINANT. Identifiers: Orphanet 75376, MedGen C1832174, MONDO:0007471, OMIM 126600.

Allele frequency attached by ClinVar (database versions not stated): gnomAD exomes 0.00007 and 0.00020; ESP Exome Variant Server 0.00015; ExAC 0.00016; gnomAD 0.00017; 1000 Genomes Project 0.00020; TOPMed 0.00021; 1000 Genomes Project 30x 0.00031.
gnomAD v4.1: 133 of 1,613,226 alleles (0.0082%); highest among the groups gnomAD compares: African/African-American, 0.055%; 1 homozygote.

Submissions (3):

Labcorp Genetics (formerly Invitae), Labcorp
Classification: Likely benign. Last evaluated: 2026-01-05. Review status: criteria provided, single submitter. Criteria: Invitae Variant Classification Sherloc (09022015). Collection method: clinical testing. Allele origin: germline.

Blueprint Genetics
Classification: Likely benign. Last evaluated: 2023-06-09. Review status: criteria provided, single submitter. Criteria: ACMG Guidelines, 2015. Collection method: clinical testing. Allele origin: germline.

Illumina Laboratory Services, Illumina
Classification: Likely benign for Doyne honeycomb retinal dystrophy. Last evaluated: 2017-04-27. Review status: criteria provided, single submitter. Criteria: ICSL Variant Classification Criteria 13 December 2019. Collection method: clinical testing. Allele origin: germline.
Comment: This variant was observed as part of a predisposition screen in an ostensibly healthy population. A literature search was performed for the gene, cDNA change, and amino acid change (where applicable). No publications were found based on this search. Allele frequency data from public databases allowed determination this variant is unlikely to cause disease. Therefore, this variant is classified as likely benign.